The following is an entry in ClinVar:

ClinVar aggregate classification (germline): Likely benign. Review status: criteria provided, multiple submitters, no conflicts (2 of 4 stars). 3 submissions from 3 submitters: Likely benign (3). Last evaluated 2026-09-24.

Conditions:
Cardiovascular phenotype. Identifiers: MedGen CN230736.
TTN-related disorder. Also called: TTN-related disorders; TTN-related condition; TTN-related disease.
Dilated cardiomyopathy 1G (CMD1G). Identifiers: Orphanet 154, MedGen C1858763, MONDO:0011400, OMIM 604145.
Autosomal recessive limb-girdle muscular dystrophy type 2J (LGMDR10). Also called: Limb-girdle muscular dystrophy, type 2J; MUSCULAR DYSTROPHY, LIMB-GIRDLE, AUTOSOMAL RECESSIVE 10. Identifiers: Orphanet 140922, MedGen C1837342, MONDO:0012127, OMIM 608807.

Allele frequency attached by ClinVar (database versions not stated): gnomAD 0.00003; gnomAD exomes 0.00003; TOPMed 0.00003; ExAC 0.00007.
gnomAD v4.1: 22 of 1,588,748 alleles (0.0014%); highest among the groups gnomAD compares: South Asian, 0.0091%; no homozygotes.

Submissions (3):

PreventionGenetics, part of Exact Sciences
Classification: Likely benign for TTN-related condition. Last evaluated: 2026-09-24. Review status: criteria provided, single submitter. Criteria: ACMG Guidelines, 2015. Collection method: clinical testing. Allele origin: germline.
Comment: This variant is classified as likely benign based on ACMG/AMP sequence variant interpretation guidelines (Richards et al. 2015 PMID: 25741868, with internal and published modifications).

Labcorp Genetics (formerly Invitae), Labcorp
Classification: Likely benign for Dilated cardiomyopathy 1G; Autosomal recessive limb-girdle muscular dystrophy type 2J. Last evaluated: 2024-09-23. Review status: criteria provided, single submitter. Criteria: Invitae Variant Classification Sherloc (09022015). Collection method: clinical testing. Allele origin: germline.

Ambry Genetics
Classification: Likely benign for Cardiovascular phenotype. Last evaluated: 2024-01-05. Review status: criteria provided, single submitter. Criteria: Ambry Variant Classification Scheme 2023. Collection method: clinical testing. Allele origin: germline.

NM_001267550.2(TTN):c.44816-4A>G

Gene: TTN (titin; minus strand). Cytogenetic location: 2q31.2.
Variant type: single nucleotide variant.
Coding change: c.44816-4A>G on transcript NM_001267550.2 (MANE Select); 4 bases into the intron before coding-DNA position 44816, A replaced by G.
Molecular consequence: intron variant.
Genome position (GRCh38, 1-based): chr2:178,622,771, T>C on the plus strand (A>G on the coding strand, the complement: TTN is on the minus strand). VCF-style: chr2-178622771-T-C. GRCh37 (hg19) VCF-style: chr2-179487498-T-C.
Other names: c.17621-4A>G (NM_003319.4); c.18197-4A>G (NM_133437.4); c.17996-4A>G (NM_133432.3); c.37112-4A>G (NM_133378.4); c.39893-4A>G (NM_001256850.1).
Identifiers: ClinVar variation 1091994 (VCV001091994.11), dbSNP rs771255067, ClinGen allele CA1995558.